The following is an entry in ClinVar:

ClinVar aggregate classification (germline): Uncertain significance (1 of 4 stars; one submission).

Conditions:
Idiopathic generalized epilepsy. Also called: EIG; Generalised epilepsy. Identifiers: MedGen C0270850, MONDO:0005579, OMIM 600669.

Submission:

Labcorp Genetics (formerly Invitae), Labcorp
Classification: Uncertain significance for Idiopathic generalized epilepsy. Last evaluated: 2019-01-25. Review status: criteria provided, single submitter. Criteria: Invitae Variant Classification Sherloc (09022015). Collection method: clinical testing. Allele origin: germline.
Comment: This variant has not been reported in the literature in individuals with GABRD-related conditions. In summary, the available evidence is currently insufficient to determine the role of this variant in disease. Therefore, it has been classified as a Variant of Uncertain Significance. This variant results in a copy number gain of the genomic region encompassing exons 2-9 of the GABRD gene. The 5' boundary is likely confined to intron 1. The 3' end of this event is unknown as it extends beyond the assayed region for this gene and therefore may encompass additional genes. As the precise location of this event is unknown, it may be in tandem or it may be located elsewhere in the genome.

NC_000001.11:g.(?_2024922)_(2030302_?)dup

Gene: GABRD (gamma-aminobutyric acid type A receptor subunit delta; plus strand). Cytogenetic location: 1p36.33.
Variant type: Duplication.
Identifiers: ClinVar variation 830812 (VCV000830812.3).